The following is an entry in ClinVar:

NM_000548.5(TSC2):c.1925C>G (p.Pro642Arg)

Gene: TSC2 (TSC complex subunit 2; plus strand). Cytogenetic location: 16p13.3.
Variant type: single nucleotide variant.
Coding change: c.1925C>G on transcript NM_000548.5 (MANE Select); coding-DNA position 1925, C replaced by G.
Protein change: p.Pro642Arg; replaces proline 642 with arginine.
Molecular consequence: missense variant.
Genome position (GRCh38, 1-based): chr16:2,071,595, C>G. VCF-style: chr16-2071595-C-G. GRCh37 (hg19) VCF-style: chr16-2121596-C-G.
Other names: c.1925C>G, p.Pro642Arg (NM_001077183.3, NM_001114382.3, NM_001363528.2 and 3 more transcripts); c.1814C>G, p.Pro605Arg (NM_001318827.2); c.1778C>G, p.Pro593Arg (NM_001318829.2); c.1325C>G, p.Pro442Arg (NM_001318831.2); c.1958C>G, p.Pro653Arg (NM_001318832.2); short protein forms P642R, P605R, P593R, P653R, P442R.
Identifiers: ClinVar variation 571889 (VCV000571889.14), dbSNP rs1408228669, ClinGen allele CA394273285.

ClinVar aggregate classification (germline): Uncertain significance. Review status: criteria provided, multiple submitters, no conflicts (2 of 4 stars). 2 submissions from 2 submitters: Uncertain significance (2). Last evaluated 2025-12-05.

Conditions:
Hereditary cancer-predisposing syndrome. Also called: Hereditary neoplastic syndrome; Neoplastic Syndromes, Hereditary; Hereditary Cancer Syndrome; Tumor predisposition. Identifiers: Orphanet 140162, MedGen C0027672, MeSH D009386, MONDO:0015356.
Tuberous sclerosis 2 (TSC2). Identifiers: Orphanet 805, MedGen C1860707, MONDO:0013199, OMIM 613254.

Allele frequency attached by ClinVar (database versions not stated): TOPMed below 0.00001; gnomAD 0.00001.
gnomAD v4.1: 3 of 1,613,326 alleles (0.00019%); highest among the groups gnomAD compares: Non-Finnish European, 0.00025%; no homozygotes.

Submissions (2):

Labcorp Genetics (formerly Invitae), Labcorp
Classification: Uncertain significance for Tuberous sclerosis 2. Last evaluated: 2025-12-05. Review status: criteria provided, single submitter. Criteria: Invitae Variant Classification Sherloc (09022015). Collection method: clinical testing. Allele origin: germline.
Comment: This sequence change replaces proline, which is neutral and non-polar, with arginine, which is basic and polar, at codon 642 of the TSC2 protein (p.Pro642Arg). This variant is not present in population databases (gnomAD no frequency). This variant has not been reported in the literature in individuals affected with TSC2-related conditions. ClinVar contains an entry for this variant (Variation ID: 571889). Invitae Evidence Modeling of protein sequence and biophysical properties (such as structural, functional, and spatial information, amino acid conservation, physicochemical variation, residue mobility, and thermodynamic stability) indicates that this missense variant is not expected to disrupt TSC2 protein function with a negative predictive value of 95%. In summary, the available evidence is currently insufficient to determine the role of this variant in disease. Therefore, it has been classified as a Variant of Uncertain Significance.

Ambry Genetics
Classification: Uncertain significance for Hereditary cancer-predisposing syndrome. Last evaluated: 2024-06-28. Review status: criteria provided, single submitter. Criteria: Ambry Variant Classification Scheme 2023. Collection method: clinical testing. Allele origin: germline.
Comment: The p.P642R variant (also known as c.1925C>G), located in coding exon 17 of the TSC2 gene, results from a C to G substitution at nucleotide position 1925. The proline at codon 642 is replaced by arginine, an amino acid with dissimilar properties. This amino acid position is well conserved in available vertebrate species. In addition, this alteration is predicted to be deleterious by in silico analysis. Based on the available evidence, the clinical significance of this variant remains unclear.